The following is an entry in ClinVar:

ClinVar aggregate classification (germline): Uncertain significance (1 of 4 stars; one submission).

gnomAD v4.1: 1 of 1,566,734 alleles (0.000064%); highest among the groups gnomAD compares: Non-Finnish European, 0.000086%; no homozygotes.

Submission:

Labcorp Genetics (formerly Invitae), Labcorp
Classification: Uncertain significance. Last evaluated: 2024-08-05. Review status: criteria provided, single submitter. Criteria: Invitae Variant Classification Sherloc (09022015). Collection method: clinical testing. Allele origin: germline.
Comment: This sequence change replaces histidine, which is basic and polar, with tyrosine, which is neutral and polar, at codon 408 of the CLCN7 protein (p.His408Tyr). This variant is not present in population databases (gnomAD no frequency). This variant has not been reported in the literature in individuals affected with CLCN7-related conditions. Advanced modeling of protein sequence and biophysical properties (such as structural, functional, and spatial information, amino acid conservation, physicochemical variation, residue mobility, and thermodynamic stability) performed at Invitae indicates that this missense variant is not expected to disrupt CLCN7 protein function with a negative predictive value of 95%. In summary, the available evidence is currently insufficient to determine the role of this variant in disease. Therefore, it has been classified as a Variant of Uncertain Significance.

NM_001287.6(CLCN7):c.1222C>T (p.His408Tyr)

Gene: CLCN7 (chloride voltage-gated channel 7; minus strand). Cytogenetic location: 16p13.3.
Variant type: single nucleotide variant.
Coding change: c.1222C>T on transcript NM_001287.6 (MANE Select); coding-DNA position 1222, C replaced by T.
Protein change: p.His408Tyr; replaces histidine 408 with tyrosine.
Molecular consequence: missense variant.
Genome position (GRCh38, 1-based): chr16:1,452,886, G>A on the plus strand (C>T on the coding strand, the complement: CLCN7 is on the minus strand). VCF-style: chr16-1452886-G-A. GRCh37 (hg19) VCF-style: chr16-1502887-G-A.
Other names: c.1150C>T, p.His384Tyr (NM_001114331.3); short protein forms H384Y, H408Y.
Identifiers: ClinVar variation 3616103 (VCV003616103.2).